The following is an entry in ClinVar:

NM_004360.5(CDH1):c.2164+2T>C

Gene: CDH1 (cadherin 1; plus strand). Cytogenetic location: 16q22.1.
Variant type: single nucleotide variant.
Coding change: c.2164+2T>C on transcript NM_004360.5 (MANE Select); the canonical splice donor site of the intron after coding-DNA position 2164, T replaced by C.
Molecular consequence: splice donor variant.
Genome position (GRCh38, 1-based): chr16:68,823,628, T>C. VCF-style: chr16-68823628-T-C. GRCh37 (hg19) VCF-style: chr16-68857531-T-C.
Other names: c.616+2T>C (NM_001317185.2); c.199+2T>C (NM_001317186.2); c.1981+2T>C (NM_001317184.2).
Identifiers: ClinVar variation 234613 (VCV000234613.6), dbSNP rs876661120, ClinGen allele CA10577550.
Genomic context (GRCh38, chr16:68,823,628, plus strand): 5'-AGCAGGATTGCAAATTCCTGCCATTCTGGGGATTCTTGGAGGAATTCTTGCTTTGCTAAG[T>C]AAGTCCAGCTGGCAAGTGACTCAGCCTTTGACTTAAAAAAATGGAGGAGGTTTATTTCCT-3'

ClinVar aggregate classification (germline): Uncertain significance. Review status: reviewed by expert panel (3 of 4 stars). 4 submissions from 4 submitters: Uncertain significance (1). 3 of the submissions do not count toward it. Last evaluated 2023-08-04.

Conditions:
CDH1-related diffuse gastric and lobular breast cancer syndrome. Also called: CDH1-related diffuse gastric and lobular breast cancer. Identifiers: MedGen CN311521, MONDO:0100488.
Hereditary cancer-predisposing syndrome. Also called: Tumor predisposition; Hereditary Cancer Syndrome; Hereditary neoplastic syndrome; Neoplastic Syndromes, Hereditary. Identifiers: Orphanet 140162, MedGen C0027672, MeSH D009386, MONDO:0015356.
Hereditary diffuse gastric adenocarcinoma (HDGC). Also called: DIFFUSE GASTRIC AND LOBULAR BREAST CANCER SYNDROME. Identifiers: Orphanet 26106, MedGen C1708349, MONDO:0007648, OMIM 137215.

Allele frequency attached by ClinVar (database versions not stated): TOPMed below 0.00001; gnomAD 0.00001.
gnomAD v4.1: 1 of 1,595,306 alleles (0.000063%); highest among the groups gnomAD compares: Non-Finnish European, 0.000086%; no homozygotes.

Submissions (4):

Clingen Gastric Cancer Variant Curation Expert Panel
Classification: Uncertain significance for CDH1-related diffuse gastric and lobular breast cancer syndrome. Last evaluated: 2023-08-04. Review status: reviewed by expert panel. Criteria: ClinGen CDH1 ACMG Specifications V3.1. Collection method: curation. Allele origin: germline. Inheritance: Autosomal dominant inheritance.
Comment: The c.2164+2T>C variant is a canonical splice variant predicted to result in a premature stop codon but not predicted to undergo NMD (PVS1_Strong). The variant is absent in the gnomAD cohort (PM2_Supporting). In summary, this variant meets criteria to be classified as variant of uncertain significance based on the ACMG/AMP criteria applied as specified by the CDH1 Variant Curation Expert Panel (CDH1 VCEP specifications version 3.1): PVS1_Strong, PM2_Supporting.

Ambry Genetics
Classification: Uncertain significance for Hereditary cancer-predisposing syndrome. Last evaluated: 2025-03-19. Review status: criteria provided, single submitter. Criteria: Ambry Variant Classification Scheme 2023. Collection method: clinical testing. Allele origin: germline. Not counted in ClinVar's aggregate classification.
Comment: The c.2164+2T>C intronic variant results from a T to C substitution two nucleotides after coding exon 13 in the CDH1 gene. This nucleotide position is highly conserved in available vertebrate species. In silico splice site analysis predicts that this alteration will weaken the native splice donor site; however, direct evidence is insufficient at this time (Ambry internal data). Alterations that disrupt the canonical splice site are expected to cause aberrant splicing, resulting in an abnormal protein or a transcript that is subject to nonsense-mediated mRNA decay; however, +2T>C alterations are capable of generating wild-type transcripts in some genomic contexts and should be interpreted with caution (Lin JH et al. Hum Mutat. 2019 10;40:1856-1873). Based on the available evidence, the clinical significance of this alteration remains unclear.

Labcorp Genetics (formerly Invitae), Labcorp
Classification: Pathogenic for Hereditary diffuse gastric adenocarcinoma. Last evaluated: 2025-01-21. Review status: criteria provided, single submitter. Criteria: Invitae Variant Classification Sherloc (09022015). Collection method: clinical testing. Allele origin: germline. Not counted in ClinVar's aggregate classification.
Comment: This sequence change affects a donor splice site in intron 13 of the CDH1 gene. It is expected to disrupt RNA splicing. Variants that disrupt the donor or acceptor splice site typically lead to a loss of protein function (PMID: 16199547), and loss-of-function variants in CDH1 are known to be pathogenic (PMID: 15235021, 20373070). This variant is not present in population databases (gnomAD no frequency). Disruption of this splice site has been observed in individuals with hereditary diffuse gastric cancer and/or lobular breast cancer (PMID: 23709761; internal data). ClinVar contains an entry for this variant (Variation ID: 234613). Algorithms developed to predict the effect of sequence changes on RNA splicing suggest that this variant may disrupt the consensus splice site. For these reasons, this variant has been classified as Pathogenic.

GeneDx
Classification: Pathogenic. Last evaluated: 2015-11-13. Review status: criteria provided, single submitter. Criteria: GeneDx Variant Classification (06012015). Collection method: clinical testing. Allele origin: germline. Affected: yes. Not counted in ClinVar's aggregate classification.
Comment: This variant is denoted CDH1 c.2164+2T>C or IVS13+2T>C and consists of a T>C nucleotide substitution at the +2 position of intron 13 of the CDH1 gene. This variant destroys a canonical splice donor site and is predicted to cause abnormal gene splicing, leading to either an abnormal message that is subject to nonsense-mediated mRNA decay or to an abnormal protein product. This variant has not, to our knowledge, been published in the literature. Based on the current evidence, we consider this variant to be pathogenic.

Literature cited by the submitters: PubMed 16199547 (cited by Labcorp Genetics (formerly Invitae), Labcorp); PubMed 15235021 (cited by Labcorp Genetics (formerly Invitae), Labcorp); PubMed 20373070 (cited by Labcorp Genetics (formerly Invitae), Labcorp); PubMed 23709761 (cited by Labcorp Genetics (formerly Invitae), Labcorp).